The following is an entry in ClinVar:

NM_004736.4(XPR1):c.1751T>C (p.Leu584Ser)

Gene: XPR1 (xenotropic and polytropic retrovirus receptor 1; plus strand). Cytogenetic location: 1q25.3.
Variant type: single nucleotide variant.
Coding change: c.1751T>C on transcript NM_004736.4 (MANE Select); coding-DNA position 1751, T replaced by C.
Protein change: p.Leu584Ser; replaces leucine 584 with serine.
Molecular consequence: missense variant. On other transcripts: non-coding transcript variant (1).
Genome position (GRCh38, 1-based): chr1:180,873,885, T>C. VCF-style: chr1-180873885-T-C. GRCh37 (hg19) VCF-style: chr1-180843021-T-C.
Other names: c.1556T>C, p.Leu519Ser (NM_001135669.2); short protein forms L584S, L519S.
Identifiers: ClinVar variation 3000481 (VCV003000481.3), dbSNP rs1164439389, ClinGen allele CA343842410.

ClinVar aggregate classification (germline): Uncertain significance (1 of 4 stars; one submission).

Allele frequency attached by ClinVar (database versions not stated): gnomAD exomes below 0.00001.
gnomAD v4.1: 1 of 1,614,206 alleles (0.000062%); highest among the groups gnomAD compares: Non-Finnish European, 0.000085%; no homozygotes.

Submission:

Labcorp Genetics (formerly Invitae), Labcorp
Classification: Uncertain significance. Last evaluated: 2025-03-31. Review status: criteria provided, single submitter. Criteria: Invitae Variant Classification Sherloc (09022015). Collection method: clinical testing. Allele origin: germline.
Comment: This sequence change replaces leucine, which is neutral and non-polar, with serine, which is neutral and polar, at codon 584 of the XPR1 protein (p.Leu584Ser). This variant is present in population databases (no rsID available, gnomAD 0.0009%). This variant has not been reported in the literature in individuals affected with XPR1-related conditions. ClinVar contains an entry for this variant (Variation ID: 3000481). Invitae Evidence Modeling of protein sequence and biophysical properties (such as structural, functional, and spatial information, amino acid conservation, physicochemical variation, residue mobility, and thermodynamic stability) indicates that this missense variant is not expected to disrupt XPR1 protein function with a negative predictive value of 80%. In summary, the available evidence is currently insufficient to determine the role of this variant in disease. Therefore, it has been classified as a Variant of Uncertain Significance.